The following is an entry in ClinVar:

ClinVar aggregate classification (germline): Uncertain significance (1 of 4 stars; one submission).

Allele frequency attached by ClinVar (database versions not stated): gnomAD exomes below 0.00001 and 0.00001; TOPMed below 0.00001; gnomAD 0.00001.
gnomAD v4.1: 6 of 1,611,158 alleles (0.00037%); highest among the groups gnomAD compares: Non-Finnish European, 0.00051%; no homozygotes.

Submission:

Labcorp Genetics (formerly Invitae), Labcorp
Classification: Uncertain significance. Last evaluated: 2022-01-15. Review status: criteria provided, single submitter. Criteria: Invitae Variant Classification Sherloc (09022015). Collection method: clinical testing. Allele origin: germline.
Comment: This sequence change replaces valine, which is neutral and non-polar, with alanine, which is neutral and non-polar, at codon 287 of the TTLL5 protein (p.Val287Ala). This variant is present in population databases (no rsID available, gnomAD 0.002%). This variant has not been reported in the literature in individuals affected with TTLL5-related conditions. ClinVar contains an entry for this variant (Variation ID: 1044867). Algorithms developed to predict the effect of missense changes on protein structure and function (SIFT, PolyPhen-2, Align-GVGD) all suggest that this variant is likely to be tolerated. In summary, the available evidence is currently insufficient to determine the role of this variant in disease. Therefore, it has been classified as a Variant of Uncertain Significance.

NM_015072.5(TTLL5):c.860T>C (p.Val287Ala)

Gene: TTLL5 (tubulin tyrosine ligase like 5; plus strand). Cytogenetic location: 14q24.3.
Variant type: single nucleotide variant.
Coding change: c.860T>C on transcript NM_015072.5 (MANE Select); coding-DNA position 860, T replaced by C.
Protein change: p.Val287Ala; replaces valine 287 with alanine.
Molecular consequence: missense variant.
Genome position (GRCh38, 1-based): chr14:75,719,752, T>C. VCF-style: chr14-75719752-T-C. GRCh37 (hg19) VCF-style: chr14-76186095-T-C.
Other names: short protein forms V287A.
Identifiers: ClinVar variation 1044867 (VCV001044867.7), dbSNP rs1189352859, ClinGen allele CA390458432.